The following is an entry in ClinVar:

ClinVar aggregate classification (germline): Uncertain significance (1 of 4 stars; one submission).

Conditions:
Epilepsy, progressive myoclonic, 1B. Also called: PME. Identifiers: Orphanet 308, MedGen C2676254, MONDO:0012904, OMIM 612437.

Allele frequency attached by ClinVar (database versions not stated): gnomAD 0.00001; gnomAD exomes 0.00001.
gnomAD v4.1: 5 of 1,613,994 alleles (0.00031%); highest among the groups gnomAD compares: East Asian, 0.0022%; no homozygotes.

Submission:

Labcorp Genetics (formerly Invitae), Labcorp
Classification: Uncertain significance for Epilepsy, progressive myoclonic, 1B. Last evaluated: 2022-04-19. Review status: criteria provided, single submitter. Criteria: Invitae Variant Classification Sherloc (09022015). Collection method: clinical testing. Allele origin: germline.
Comment: In summary, the available evidence is currently insufficient to determine the role of this variant in disease. Therefore, it has been classified as a Variant of Uncertain Significance. Algorithms developed to predict the effect of missense changes on protein structure and function are either unavailable or do not agree on the potential impact of this missense change (SIFT: "Deleterious"; PolyPhen-2: "Possibly Damaging"; Align-GVGD: "Class C0"). This variant has not been reported in the literature in individuals affected with PRICKLE1-related conditions. This variant is not present in population databases (gnomAD no frequency). This sequence change replaces aspartic acid, which is acidic and polar, with asparagine, which is neutral and polar, at codon 684 of the PRICKLE1 protein (p.Asp684Asn).

NM_153026.3(PRICKLE1):c.2050G>A (p.Asp684Asn)

Gene: PRICKLE1 (prickle planar cell polarity protein 1; minus strand). Cytogenetic location: 12q12.
Variant type: single nucleotide variant.
Coding change: c.2050G>A on transcript NM_153026.3 (MANE Select); coding-DNA position 2050, G replaced by A.
Protein change: p.Asp684Asn; replaces aspartic acid 684 with asparagine.
Molecular consequence: missense variant.
Genome position (GRCh38, 1-based): chr12:42,460,255, C>T on the plus strand (G>A on the coding strand, the complement: PRICKLE1 is on the minus strand). VCF-style: chr12-42460255-C-T. GRCh37 (hg19) VCF-style: chr12-42854057-C-T.
Other names: c.2050G>A, p.Asp684Asn (NM_001144881.2, NM_001144882.2, NM_001144883.2); short protein forms D684N.
Identifiers: ClinVar variation 1965796 (VCV001965796.5), dbSNP rs2503373816, ClinGen allele CA384440315.